The following is an entry in ClinVar:

ClinVar aggregate classification (germline): Uncertain significance. Review status: criteria provided, multiple submitters, no conflicts (2 of 4 stars). 2 submissions from 2 submitters: Uncertain significance (2). Last evaluated 2025-10-22.

Conditions:
Inborn genetic diseases. Identifiers: MedGen C0950123, MeSH D030342.
Joubert syndrome 14 (JBTS14). Identifiers: MedGen C3280766, MONDO:0013745, OMIM 614424.

Allele frequency attached by ClinVar (database versions not stated): gnomAD exomes 0.00001; TOPMed 0.00001.
gnomAD v4.1: 11 of 1,601,940 alleles (0.00069%); highest among the groups gnomAD compares: Admixed American, 0.0051%; no homozygotes.

Submissions (2):

Ambry Genetics
Classification: Uncertain significance for Inborn genetic diseases. Last evaluated: 2025-10-22. Review status: criteria provided, single submitter. Criteria: Ambry Variant Classification Scheme 2023. Collection method: clinical testing. Allele origin: germline.

Labcorp Genetics (formerly Invitae), Labcorp
Classification: Uncertain significance for Joubert syndrome 14. Last evaluated: 2022-06-27. Review status: criteria provided, single submitter. Criteria: Invitae Variant Classification Sherloc (09022015). Collection method: clinical testing. Allele origin: germline.
Comment: This sequence change replaces phenylalanine, which is neutral and non-polar, with cysteine, which is neutral and slightly polar, at codon 293 of the TMEM237 protein (p.Phe293Cys). This variant is present in population databases (no rsID available, gnomAD 0.003%). This variant has not been reported in the literature in individuals affected with TMEM237-related conditions. ClinVar contains an entry for this variant (Variation ID: 1059870). Algorithms developed to predict the effect of missense changes on protein structure and function (SIFT, PolyPhen-2, Align-GVGD) all suggest that this variant is likely to be disruptive. In summary, the available evidence is currently insufficient to determine the role of this variant in disease. Therefore, it has been classified as a Variant of Uncertain Significance.

NM_001044385.3(TMEM237):c.878T>G (p.Phe293Cys)

Gene: TMEM237 (transmembrane protein 237; minus strand). Cytogenetic location: 2q33.1.
Variant type: single nucleotide variant.
Coding change: c.878T>G on transcript NM_001044385.3 (MANE Select); coding-DNA position 878, T replaced by G.
Protein change: p.Phe293Cys; replaces phenylalanine 293 with cysteine.
Molecular consequence: missense variant.
Genome position (GRCh38, 1-based): chr2:201,628,141, A>C on the plus strand (T>G on the coding strand, the complement: TMEM237 is on the minus strand). VCF-style: chr2-201628141-A-C. GRCh37 (hg19) VCF-style: chr2-202492864-A-C.
Other names: c.854T>G, p.Phe285Cys (NM_152388.4); c.878T>G (NM_001044385.1); short protein forms F285C, F293C.
Identifiers: ClinVar variation 1059870 (VCV001059870.8), dbSNP rs1209527419, ClinGen allele CA350307319.